The following is an entry in ClinVar:

ClinVar aggregate classification (germline): Uncertain significance (1 of 4 stars; one submission).

Conditions:
Hereditary cancer-predisposing syndrome. Also called: Tumor predisposition; Hereditary Cancer Syndrome; Hereditary neoplastic syndrome; Neoplastic Syndromes, Hereditary. Identifiers: Orphanet 140162, MedGen C0027672, MeSH D009386, MONDO:0015356.

Submission:

Ambry Genetics
Classification: Uncertain significance for Hereditary cancer-predisposing syndrome. Last evaluated: 2025-10-16. Review status: criteria provided, single submitter. Criteria: Ambry Variant Classification Scheme 2023. Collection method: clinical testing. Allele origin: germline.
Comment: The p.S1032R variant (also known as c.3096C>G), located in coding exon 21 of the TSC1 gene, results from a C to G substitution at nucleotide position 3096. The serine at codon 1032 is replaced by arginine, an amino acid with dissimilar properties. This amino acid position is conserved. In addition, this alteration is predicted to be tolerated by in silico analysis. Based on the available evidence, the clinical significance of this variant remains unclear.

NM_000368.5(TSC1):c.3096C>G (p.Ser1032Arg)

Gene: TSC1 (TSC complex subunit 1; minus strand). Cytogenetic location: 9q34.13.
Variant type: single nucleotide variant.
Coding change: c.3096C>G on transcript NM_000368.5 (MANE Select); coding-DNA position 3096, C replaced by G.
Protein change: p.Ser1032Arg; replaces serine 1032 with arginine.
Molecular consequence: missense variant. On other transcripts: non-coding transcript variant (5).
Genome position (GRCh38, 1-based): chr9:132,896,634, G>C on the plus strand (C>G on the coding strand, the complement: TSC1 is on the minus strand). VCF-style: chr9-132896634-G-C. GRCh37 (hg19) VCF-style: chr9-135772021-G-C.
Other names: c.3093C>G, p.Ser1031Arg (NM_001162426.2, NM_001406597.1, NM_001406598.1 and 2 more transcripts); c.2943C>G, p.Ser981Arg (NM_001162427.2, NM_001406610.1); c.2733C>G, p.Ser911Arg (NM_001362177.2, NM_001406614.1, NM_001406615.1 and 4 more transcripts); c.3096C>G, p.Ser1032Arg (NM_001406592.1, NM_001406593.1, NM_001406594.1 and 2 more transcripts); c.3081C>G, p.Ser1027Arg (NM_001406601.1, NM_001406602.1); c.3078C>G, p.Ser1026Arg (NM_001406603.1, NM_001406604.1); c.3054C>G, p.Ser1018Arg (NM_001406605.1, NM_001406606.1, NM_001406607.1); c.3051C>G, p.Ser1017Arg (NM_001406608.1, NM_001406609.1); and 8 more; short protein forms S1017R, S1018R, S1031R, S980R, S981R, S1026R, S715R, S911R.
Identifiers: ClinVar variation 4554289 (VCV004554289.1).